The following is an entry in ClinVar:

ClinVar aggregate classification (germline): Uncertain significance (1 of 4 stars; one submission).

Conditions:
Dilated cardiomyopathy 1HH (CMD1HH). Identifiers: Orphanet 154, MedGen C3151293, MONDO:0013479, OMIM 613881.
Myofibrillar myopathy 6. Identifiers: Orphanet 199340, MedGen C2751831, MONDO:0013061, OMIM 612954.

Submission:

Labcorp Genetics (formerly Invitae), Labcorp
Classification: Uncertain significance for Dilated cardiomyopathy 1HH; Myofibrillar myopathy 6. Last evaluated: 2025-06-27. Review status: criteria provided, single submitter. Criteria: Invitae Variant Classification Sherloc (09022015). Collection method: clinical testing. Allele origin: germline.
Comment: This sequence change replaces phenylalanine, which is neutral and non-polar, with serine, which is neutral and polar, at codon 225 of the BAG3 protein (p.Phe225Ser). This variant is not present in population databases (gnomAD no frequency). This variant has not been reported in the literature in individuals affected with BAG3-related conditions. Invitae Evidence Modeling of protein sequence and biophysical properties (such as structural, functional, and spatial information, amino acid conservation, physicochemical variation, residue mobility, and thermodynamic stability) indicates that this missense variant is not expected to disrupt BAG3 protein function with a negative predictive value of 80%. In summary, the available evidence is currently insufficient to determine the role of this variant in disease. Therefore, it has been classified as a Variant of Uncertain Significance.

NM_004281.4(BAG3):c.674T>C (p.Phe225Ser)

Gene: BAG3 (BAG cochaperone 3; plus strand). Cytogenetic location: 10q26.11.
Variant type: single nucleotide variant.
Coding change: c.674T>C on transcript NM_004281.4 (MANE Select); coding-DNA position 674, T replaced by C.
Protein change: p.Phe225Ser; replaces phenylalanine 225 with serine.
Molecular consequence: missense variant.
Genome position (GRCh38, 1-based): chr10:119,672,421, T>C. VCF-style: chr10-119672421-T-C. GRCh37 (hg19) VCF-style: chr10-121431933-T-C.
Other names: short protein forms F225S.
Identifiers: ClinVar variation 4783148 (VCV004783148.1).